The following is an entry in ClinVar:

NM_001145026.2(PTPRQ):c.1946C>A (p.Ser649Tyr)

Gene: PTPRQ (protein tyrosine phosphatase receptor type Q; plus strand). Cytogenetic location: 12q21.31.
Variant type: single nucleotide variant.
Coding change: c.1946C>A on transcript NM_001145026.2 (MANE Select); coding-DNA position 1946, C replaced by A.
Protein change: p.Ser649Tyr; replaces serine 649 with tyrosine.
Molecular consequence: missense variant.
Genome position (GRCh38, 1-based): chr12:80,496,062, C>A. VCF-style: chr12-80496062-C-A. GRCh37 (hg19) VCF-style: chr12-80889841-C-A.
Other names: short protein forms S649Y.
Identifiers: ClinVar variation 1707069 (VCV001707069.2), dbSNP rs1194143607, ClinGen allele CA385886819.

ClinVar aggregate classification (germline): Uncertain significance (1 of 4 stars; one submission).

Allele frequency attached by ClinVar (database versions not stated): gnomAD 0.00001; TOPMed 0.00003.
gnomAD v4.1: 44 of 1,549,982 alleles (0.0028%); highest among the groups gnomAD compares: Admixed American, 0.0059%; no homozygotes.

Submission:

GeneDx
Classification: Uncertain significance. Last evaluated: 2022-03-21. Review status: criteria provided, single submitter. Criteria: GeneDx Variant Classification Process June 2021. Collection method: clinical testing. Allele origin: germline. Affected: yes.
Comment: In silico analysis supports that this missense variant does not alter protein structure/function; Has not been previously published as pathogenic or benign to our knowledge